The following is an entry in ClinVar:

NM_001457.4(FLNB):c.7664C>T (p.Pro2555Leu)

Genes: FLNB (filamin B; plus strand), FLNB-AS1 (FLNB antisense RNA 1; minus strand). Cytogenetic location: 3p14.3.
Variant type: single nucleotide variant.
Coding change: c.7664C>T on transcript NM_001457.4 (MANE Select); coding-DNA position 7664, C replaced by T.
Protein change: p.Pro2555Leu; replaces proline 2555 with leucine.
Molecular consequence: missense variant. On other transcripts: non-coding transcript variant (1).
Genome position (GRCh38, 1-based): chr3:58,170,617, C>T. VCF-style: chr3-58170617-C-T. GRCh37 (hg19) VCF-style: chr3-58156344-C-T.
Other names: c.7757C>T, p.Pro2586Leu (NM_001164317.2); c.7631C>T, p.Pro2544Leu (NM_001164318.2); c.7592C>T, p.Pro2531Leu (NM_001164319.2); short protein forms P2531L, P2586L, P2555L, P2544L.
Identifiers: ClinVar variation 1432760 (VCV001432760.6), dbSNP rs779527417, ClinGen allele CA75434926.

ClinVar aggregate classification (germline): Uncertain significance (1 of 4 stars; one submission).

gnomAD v4.1: 1 of 1,614,170 alleles (0.000062%); highest among the groups gnomAD compares: Non-Finnish European, 0.000085%; no homozygotes.

Submission:

Labcorp Genetics (formerly Invitae), Labcorp
Classification: Uncertain significance. Last evaluated: 2025-07-02. Review status: criteria provided, single submitter. Criteria: Invitae Variant Classification Sherloc (09022015). Collection method: clinical testing. Allele origin: germline.
Comment: This sequence change replaces proline, which is neutral and non-polar, with leucine, which is neutral and non-polar, at codon 2555 of the FLNB protein (p.Pro2555Leu). This variant is not present in population databases (gnomAD no frequency). This variant has not been reported in the literature in individuals affected with FLNB-related conditions. ClinVar contains an entry for this variant (Variation ID: 1432760). Invitae Evidence Modeling of protein sequence and biophysical properties (such as structural, functional, and spatial information, amino acid conservation, physicochemical variation, residue mobility, and thermodynamic stability) indicates that this missense variant is not expected to disrupt FLNB protein function with a negative predictive value of 95%. In summary, the available evidence is currently insufficient to determine the role of this variant in disease. Therefore, it has been classified as a Variant of Uncertain Significance.